The following is an entry in ClinVar:

ClinVar aggregate classification (germline): Uncertain significance (0 of 4 stars; one submission).

Conditions:
GNAS-related disorder. Identifiers: MedGen CN380105.

gnomAD v4.1: 27 of 1,594,368 alleles (0.0017%); highest among the groups gnomAD compares: Non-Finnish European, 0.0023%; no homozygotes.

Submission:

PreventionGenetics, part of Exact Sciences
Classification: Uncertain significance for GNAS-related condition. Last evaluated: 2024-08-13. Review status: no assertion criteria provided. Collection method: clinical testing. Allele origin: germline.
Comment: The GNAS c.1622C>G variant is predicted to result in the amino acid substitution p.Pro541Arg. To our knowledge, this variant has not been reported in the literature or in a large population database, indicating this variant is rare. Note that in the primary transcript (NM_000516.7), this variant is pre-coding (c.-36840C>G). At this time, the clinical significance of this variant is uncertain due to the absence of conclusive functional and genetic evidence.

NM_080425.4(GNAS):c.1622C>G (p.Pro541Arg)

Gene: GNAS (GNAS complex locus; plus strand). Cytogenetic location: 20q13.32.
Variant type: single nucleotide variant.
Coding change: c.1622C>G on transcript NM_080425.4 (MANE Plus Clinical); coding-DNA position 1622, C replaced by G.
Protein change: p.Pro541Arg; replaces proline 541 with arginine.
Molecular consequence: missense variant. On other transcripts: intron variant (3).
Genome position (GRCh38, 1-based): chr20:58,854,887, C>G. VCF-style: chr20-58854887-C-G. GRCh37 (hg19) VCF-style: chr20-57429942-C-G.
Other names: c.1435C>G, p.Leu479Val (NM_001077490.3, NM_001309883.1); c.1622C>G, p.Pro541Arg (NM_001410913.1); c.*42+14001C>G (NM_016592.5); c.43+14001C>G (NM_001410912.1); c.-39+13012C>G (NM_001309861.2); short protein forms L479V, P541R.
Identifiers: ClinVar variation 3356284 (VCV003356284.1).